The following is an entry in ClinVar:

ClinVar aggregate classification (germline): Uncertain significance (1 of 4 stars; one submission).

Conditions:
Early-infantile DEE. Also called: Early infantile epileptic encephalopathy; Early infantile epileptic encephalopathy with suppression bursts; Ohtahara syndrome. Identifiers: Orphanet 1934, MedGen C0393706, MONDO:0800491.

Submission:

Labcorp Genetics (formerly Invitae), Labcorp
Classification: Uncertain significance for Early-infantile DEE. Last evaluated: 2022-02-18. Review status: criteria provided, single submitter. Criteria: Invitae Variant Classification Sherloc (09022015). Collection method: clinical testing. Allele origin: germline.
Comment: In summary, the available evidence is currently insufficient to determine the role of this variant in disease. Therefore, it has been classified as a Variant of Uncertain Significance. Experimental studies and prediction algorithms are not available or were not evaluated, and the functional significance of this variant is currently unknown. This variant has not been reported in the literature in individuals affected with CACNA2D2-related conditions. This variant is not present in population databases (gnomAD no frequency). This variant, c.2081_2083del, results in the deletion of 1 amino acid(s) of the CACNA2D2 protein (p.Asn694del), but otherwise preserves the integrity of the reading frame.

NM_006030.4(CACNA2D2):c.2075ACA[2] (p.Asn694del)

Gene: CACNA2D2 (calcium voltage-gated channel auxiliary subunit alpha2delta 2; minus strand). Cytogenetic location: 3p21.31.
Variant type: Microsatellite.
Coding change: c.2075ACA[2] on transcript NM_006030.4 (MANE Select); two copies in a row of the 3-base unit ACA starting at c.2075; the reference has three copies in a row; one copy, 3 bases deleted.
Protein change: p.Asn694del; deletes asparagine 694.
Molecular consequence: inframe deletion. On other transcripts: inframe indel (1).
Genome position (GRCh38, 1-based): chr3:50,368,198-50,368,200, TGT deleted on the plus strand (ACA on the coding strand, the reverse complement: CACNA2D2 is on the minus strand); deleting any 3 consecutive bases within chr3:50,368,198-50,368,206 gives the same sequence; the position shown is the placement nearest the transcript's 3' end. VCF-style (leftmost placement, unchanged base first): chr3-50368197-GTGT-G. GRCh37 (hg19) VCF-style: chr3-50405628-GTGT-G.
Other names: c.2075ACA[2], p.Asn694del (NM_001005505.3); c.2096ACA[2], p.Asn701del (NM_001174051.3); c.1868ACA[2], p.Asn625del (NM_001291101.1); c.2075_2077ACA[2], p.Asn694del (NM_001410768.1); short protein forms N694del, N625del, N701del.
Identifiers: ClinVar variation 2098728 (VCV002098728.4), dbSNP rs2470992563, ClinGen allele CA2580616467.